The following is an entry in ClinVar:

ClinVar aggregate classification (germline): Uncertain significance (1 of 4 stars; one submission).

Submission:

Athena Diagnostics
Classification: Uncertain significance. Last evaluated: 2023-02-21. Review status: criteria provided, single submitter. Criteria: Athena Diagnostics Criteria. Collection method: clinical testing. Allele origin: unknown.
Comment: Available data are insufficient to determine the clinical significance of the variant at this time. This variant has not been reported in large, multi-ethnic general populations. Computational tools disagree on the variant's effect on normal protein function.

NM_182961.4(SYNE1):c.2417T>C (p.Leu806Pro)

Gene: SYNE1 (spectrin repeat containing nuclear envelope protein 1; minus strand). Cytogenetic location: 6q25.2.
Variant type: single nucleotide variant.
Coding change: c.2417T>C on transcript NM_182961.4 (MANE Select); coding-DNA position 2417, T replaced by C.
Protein change: p.Leu806Pro; replaces leucine 806 with proline.
Molecular consequence: missense variant.
Genome position (GRCh38, 1-based): chr6:152,458,908, A>G on the plus strand (T>C on the coding strand, the complement: SYNE1 is on the minus strand). VCF-style: chr6-152458908-A-G. GRCh37 (hg19) VCF-style: chr6-152780043-A-G.
Other names: c.2438T>C, p.Leu813Pro (NM_033071.5); short protein forms L806P, L813P.
Identifiers: ClinVar variation 2684049 (VCV002684049.1), dbSNP rs2502874538, ClinGen allele CA366118058.
Genomic context (GRCh38, chr6:152,458,908, plus strand): 5'-GACGTCATCTGCTTTTCTAATTCCTCCAACGGAATCAACAGCTGCTGAGACTCATAAAGG[A>G]GTGGGGAGTAACATTCTTTGACCTTTAAAAACATAAAGACAAAAATTCCATGAAAGACCA-3'
Protein context (NP_892006.3, residues 796-816): LTKVKECYSP[Leu806Pro]LYESQQLLIP